The following is an entry in ClinVar:

ClinVar aggregate classification (germline): Uncertain significance. Review status: criteria provided, multiple submitters, no conflicts (2 of 4 stars). 2 submissions from 2 submitters: Uncertain significance (2). Last evaluated 2025-08-29.

Conditions:
Inborn genetic diseases. Identifiers: MedGen C0950123, MeSH D030342.
Cranioectodermal dysplasia 2 (CED2). Identifiers: Orphanet 1515, MedGen C3150874, MONDO:0013323, OMIM 613610.
Short-rib thoracic dysplasia 7 with or without polydactyly (SRTD7). Also called: Short rib polydactyly syndrome 5; SHORT-RIB THORACIC DYSPLASIA 7 WITH POLYDACTYLY. Identifiers: Orphanet 498497, Orphanet 93271, MedGen C3279792, MONDO:0013569, OMIM 614091.

Allele frequency attached by ClinVar (database versions not stated): gnomAD 0.00001; TOPMed 0.00001; ESP Exome Variant Server 0.00008.
gnomAD v4.1: 21 of 1,608,844 alleles (0.0013%); highest among the groups gnomAD compares: Non-Finnish European, 0.0015%; no homozygotes.

Submissions (2):

Ambry Genetics
Classification: Uncertain significance for Inborn genetic diseases. Last evaluated: 2025-08-29. Review status: criteria provided, single submitter. Criteria: Ambry Variant Classification Scheme 2023. Collection method: clinical testing. Allele origin: germline.

Labcorp Genetics (formerly Invitae), Labcorp
Classification: Uncertain significance for Cranioectodermal dysplasia 2; Short-rib thoracic dysplasia 7 with or without polydactyly. Last evaluated: 2023-06-29. Review status: criteria provided, single submitter. Criteria: Invitae Variant Classification Sherloc (09022015). Collection method: clinical testing. Allele origin: germline.
Comment: This variant is present in population databases (rs138366348, gnomAD 0.006%). This variant has not been reported in the literature in individuals affected with WDR35-related conditions. ClinVar contains an entry for this variant (Variation ID: 1362315). Advanced modeling of protein sequence and biophysical properties (such as structural, functional, and spatial information, amino acid conservation, physicochemical variation, residue mobility, and thermodynamic stability) performed at Invitae indicates that this missense variant is not expected to disrupt WDR35 protein function. In summary, the available evidence is currently insufficient to determine the role of this variant in disease. Therefore, it has been classified as a Variant of Uncertain Significance. This sequence change replaces histidine, which is basic and polar, with arginine, which is basic and polar, at codon 241 of the WDR35 protein (p.His241Arg).

NM_020779.4(WDR35):c.722A>G (p.His241Arg)

Gene: WDR35 (WD repeat domain 35; minus strand). Cytogenetic location: 2p24.1.
Variant type: single nucleotide variant.
Coding change: c.722A>G on transcript NM_020779.4 (MANE Select); coding-DNA position 722, A replaced by G.
Protein change: p.His241Arg; replaces histidine 241 with arginine.
Molecular consequence: missense variant.
Genome position (GRCh38, 1-based): chr2:19,974,482, T>C on the plus strand (A>G on the coding strand, the complement: WDR35 is on the minus strand). VCF-style: chr2-19974482-T-C. GRCh37 (hg19) VCF-style: chr2-20174243-T-C.
Other names: c.722A>G (NM_001006657.1); c.722A>G, p.His241Arg (NM_001006657.2); short protein forms H241R.
Identifiers: ClinVar variation 1362315 (VCV001362315.6), dbSNP rs138366348, ClinGen allele CA1543461.